The following is an entry in ClinVar:

NM_000321.3(RB1):c.1681C>T (p.Leu561Phe)

Gene: RB1 (RB transcriptional corepressor 1; plus strand). Cytogenetic location: 13q14.2.
Variant type: single nucleotide variant.
Coding change: c.1681C>T on transcript NM_000321.3 (MANE Select); coding-DNA position 1681, C replaced by T.
Protein change: p.Leu561Phe; replaces leucine 561 with phenylalanine.
Molecular consequence: missense variant.
Genome position (GRCh38, 1-based): chr13:48,381,429, C>T. VCF-style: chr13-48381429-C-T. GRCh37 (hg19) VCF-style: chr13-48955565-C-T.
Other names: short protein forms L561F.
Identifiers: ClinVar variation 949159 (VCV000949159.11), dbSNP rs761257231, ClinGen allele CA029297.

ClinVar aggregate classification (germline): Conflicting classifications of pathogenicity. Review status: criteria provided, conflicting classifications (1 of 4 stars). 5 submissions from 5 submitters: Uncertain significance (4); Likely benign (1). Last evaluated 2025-08-18.

Conditions:
Hereditary cancer-predisposing syndrome. Also called: Hereditary neoplastic syndrome; Neoplastic Syndromes, Hereditary; Tumor predisposition; Hereditary Cancer Syndrome. Identifiers: Orphanet 140162, MedGen C0027672, MeSH D009386, MONDO:0015356.
Retinoblastoma (RB1). Also called: RETINOBLASTOMA, SOMATIC. Identifiers: Orphanet 790, MedGen C0035335, MeSH D012175, MONDO:0008380, OMIM 180200, HP:0009919. Disease mechanism: loss of function. Inheritance: Both sporadic and heritable forms are tested..

Allele frequency attached by ClinVar (database versions not stated): gnomAD exomes below 0.00001 and 0.00001; gnomAD 0.00001; TOPMed 0.00001; ExAC 0.00002.
gnomAD v4.1: 6 of 1,613,352 alleles (0.00037%); highest among the groups gnomAD compares: Admixed American, 0.0067%; no homozygotes.

Submissions (5):

Labcorp Genetics (formerly Invitae), Labcorp
Classification: Uncertain significance for Retinoblastoma. Last evaluated: 2025-08-18. Review status: criteria provided, single submitter. Criteria: Invitae Variant Classification Sherloc (09022015). Collection method: clinical testing. Allele origin: germline.
Comment: This sequence change replaces leucine, which is neutral and non-polar, with phenylalanine, which is neutral and non-polar, at codon 561 of the RB1 protein (p.Leu561Phe). This variant is present in population databases (rs761257231, gnomAD 0.009%). This variant has not been reported in the literature in individuals affected with RB1-related conditions. ClinVar contains an entry for this variant (Variation ID: 949159). Invitae Evidence Modeling of protein sequence and biophysical properties (such as structural, functional, and spatial information, amino acid conservation, physicochemical variation, residue mobility, and thermodynamic stability) indicates that this missense variant is not expected to disrupt RB1 protein function with a negative predictive value of 80%. In summary, the available evidence is currently insufficient to determine the role of this variant in disease. Therefore, it has been classified as a Variant of Uncertain Significance.

Color Diagnostics, LLC DBA Color Health
Classification: Uncertain significance for Retinoblastoma. Last evaluated: 2025-06-20. Review status: criteria provided, single submitter. Criteria: ACMG Guidelines, 2015. Collection method: clinical testing. Allele origin: germline.
Comment: This missense variant replaces leucine with phenylalanine at codon 561 of the RB1 protein. Computational prediction is inconclusive regarding the impact of this variant on protein structure and function. To our knowledge, functional studies have not been reported for this variant. This variant has not been reported in individuals affected with RB1-related disorders in the literature. This variant has been identified in 4/281828 chromosomes in the general population by the Genome Aggregation Database (gnomAD). The available evidence is insufficient to determine the role of this variant in disease conclusively. Therefore, this variant is classified as a Variant of Uncertain Significance.

GeneDx
Classification: Uncertain significance. Last evaluated: 2025-01-03. Review status: criteria provided, single submitter. Criteria: GeneDx Variant Classification Process June 2021. Collection method: clinical testing. Allele origin: germline. Affected: yes.
Comment: Not observed at significant frequency in large population cohorts (gnomAD); In silico analysis supports that this missense variant has a deleterious effect on protein structure/function; Has not been previously published as pathogenic or benign to our knowledge; This variant is associated with the following publications: (PMID: 23516486)

All of Us Research Program, National Institutes of Health
Classification: Uncertain significance for Retinoblastoma. Last evaluated: 2023-12-01. Review status: criteria provided, single submitter. Criteria: ACMG Guidelines, 2015. Collection method: clinical testing. Allele origin: germline. Inheritance: Autosomal dominant inheritance. Observed: 1 variant allele, 1 heterozygote.
Comment: This study involves interpretation of variants in research participants for the purpose of population health screening. Participant phenotype was not available at the time of variant classification. Additional details can be found in publication PMID: 35346344, PMCID: PMC8962531

Ambry Genetics
Classification: Likely benign for Hereditary cancer-predisposing syndrome. Last evaluated: 2023-02-03. Review status: criteria provided, single submitter. Criteria: Ambry Variant Classification Scheme 2023. Collection method: clinical testing. Allele origin: germline.